The following is an entry in ClinVar:

NM_144687.4(NLRP12):c.1054C>T (p.Arg352Cys)

Gene: NLRP12 (NLR family pyrin domain containing 12; minus strand). Cytogenetic location: 19q13.42.
Variant type: single nucleotide variant.
Coding change: c.1054C>T on transcript NM_144687.4 (MANE Select); coding-DNA position 1054, C replaced by T.
Protein change: p.Arg352Cys; replaces arginine 352 with cysteine.
Molecular consequence: missense variant.
Genome position (GRCh38, 1-based): chr19:53,810,605, G>A on the plus strand (C>T on the coding strand, the complement: NLRP12 is on the minus strand). VCF-style: chr19-53810605-G-A. GRCh37 (hg19) VCF-style: chr19-54313859-G-A.
Other names: c.1054C>T, p.Arg352Cys (NM_001277126.2, NM_001277129.1); short protein forms R352C.
Identifiers: ClinVar variation 523654 (VCV000523654.66), dbSNP rs199881207, ClinGen allele CA9639530.

ClinVar aggregate classification (germline): Conflicting classifications of pathogenicity. Review status: criteria provided, conflicting classifications (1 of 4 stars). 12 submissions from 12 submitters: Uncertain significance (3); Likely benign (6). 3 of the submissions do not count toward it. Last evaluated 2026-04-01.

Conditions:
Autoinflammatory syndrome. Identifiers: Orphanet 93665, MedGen C3890737, MONDO:0019751.
Familial cold autoinflammatory syndrome 2 (FCAS2). Identifiers: Orphanet 247868, MedGen C2673198, MONDO:0012724, OMIM 611762.

Allele frequency attached by ClinVar (database versions not stated): ESP Exome Variant Server 0.00008; gnomAD 0.00019 and 0.00023; TOPMed 0.00020; ExAC 0.00035; gnomAD exomes 0.00038.
gnomAD v4.1: 454 of 1,614,044 alleles (0.028%); highest among the groups gnomAD compares: South Asian, 0.099%; 1 homozygote.

Submissions (12):

CeGaT Center for Human Genetics Tuebingen
Classification: Likely benign. Last evaluated: 2026-04-01. Review status: criteria provided, single submitter. Criteria: CeGaT Center For Human Genetics Tuebingen Variant Classification Criteria Version 2. Collection method: clinical testing. Allele origin: germline. Affected: yes. Observed: 5 variant alleles.
Comment: NLRP12: BP4

Women's Health and Genetics/Laboratory Corporation of America, LabCorp
Classification: Likely benign. Last evaluated: 2026-02-10. Review status: criteria provided, single submitter. Criteria: LabCorp Variant Classification Summary - May 2015. Collection method: clinical testing. Allele origin: germline.
Comment: Variant summary: NLRP12 c.1054C>T (p.Arg352Cys) results in a non-conservative amino acid change in the encoded protein sequence. Algorithms developed to predict the effect of missense changes on protein structure and function are either unavailable or do not agree on the potential impact of this missense change. The variant allele was found at a frequency of 0.00038 in 251250 control chromosomes. The observed variant frequency exceeds the estimated maximal expected allele frequency for disease-causing variants in NLRP12. c.1054C>T has been observed in individuals affected with periodic fevers and autoinflammation, including some cases that were noted to be triggered by cold, but without strong evidence (i.e. segregation data) suggesting causality (e.g. Jeru_2011, Kostik_2018, Del Porto_2020, Sozeri_2021, Macaraeg_2025). These reports do not provide unequivocal conclusions about association of the variant with Familial cold autoinflammatory syndrome 2. At least one publication reports experimental evidence evaluating an impact on protein function and found the variant increased speck formation and activated caspase 1 signaling, but did not alter the normal inhibitory effect of NLRP12 on NF-kB activation (Jeru_2011). These findings do not allow for definitive conclusions to be made about the variant effect. The following publications have been ascertained in the context of this evaluation (PMID: 32725138, 21538323, 29500522, 39622767, 33165748). ClinVar contains an entry for this variant (Variation ID: 523654). Based on the evidence outlined above, the variant was classified as likely benign.

Labcorp Genetics (formerly Invitae), Labcorp
Classification: Likely benign for Familial cold autoinflammatory syndrome 2. Last evaluated: 2025-10-26. Review status: criteria provided, single submitter. Criteria: Invitae Variant Classification Sherloc (09022015). Collection method: clinical testing. Allele origin: germline.

Laboratory of Genetics, Children's Clinical University Hospital Latvia
Classification: Likely benign. Last evaluated: 2025-02-16. Review status: criteria provided, single submitter. Criteria: ACMG Guidelines, 2015. Collection method: clinical testing. Allele origin: germline. Affected: yes.

Genomic Medicine Center of Excellence, King Faisal Specialist Hospital and Research Centre
Classification: Likely benign for Familial cold autoinflammatory syndrome 2. Last evaluated: 2024-03-25. Review status: criteria provided, single submitter. Criteria: ACMG Guidelines, 2015. Collection method: research. Allele origin: germline.

Institute of Medical Genetics and Applied Genomics, University Hospital Tübingen
Classification: Uncertain significance for Familial cold autoinflammatory syndrome 2. Last evaluated: 2022-12-07. Review status: criteria provided, single submitter. Criteria: ACMG Guidelines, 2015. Collection method: clinical testing. Allele origin: germline. Inheritance: Autosomal dominant inheritance. Affected: yes.

Genome Diagnostics Laboratory, The Hospital for Sick Children
Classification: Likely benign for Autoinflammatory syndrome. Last evaluated: 2020-02-01. Review status: criteria provided, single submitter. Criteria: ACMG Guidelines, 2015. Collection method: clinical testing. Allele origin: germline. Affected: yes.

ARUP Laboratories, Molecular Genetics and Genomics, ARUP Laboratories
Classification: Uncertain significance for Familial cold autoinflammatory syndrome 2. Last evaluated: 2019-09-27. Review status: criteria provided, single submitter. Criteria: ARUP Molecular Germline Variant Investigation Process. Collection method: clinical testing. Allele origin: germline.
Comment: The NLRP12 c.1054C>T; p.Arg352Cys variant (rs199881207) is published in the medical literature in 3 unrelated individuals with periodic fever or autoimmune disease without urticaria (Jeru 2011, Rusmini 2016). The variant is reported in the ClinVar database (Variation ID: 523654) and in the general population with an allele frequency of 0.04% (102/282638 alleles) in the Genome Aggregation Database. The arginine at this position is moderately conserved and computational algorithms (PolyPhen-2, SIFT) predict this variant is deleterious. Experiments in cell culture show this variant did not affect the NF-KB inhibitory activity, but did enhance processing of caspase-1 compared to wild type (Jeru 2011); these authors suggested that this variant may act in a gain of function mechanism, in contrast to NLRP12 nonsense variants that appear to have a loss of function. However, given the limited clinical and functional data, the significance of the variant is uncertain at this time. References: Jeru I et al. Identification and functional consequences of a recurrent NLRP12 missense mutation in periodic fever syndromes. Arthritis Rheum. 2011 May;63(5):1459-64. Rusmini M et al. Next-generation sequencing and its initial applications for molecular diagnosis of systemic auto-inflammatory diseases. Ann Rheum Dis. 2016 Aug;75(8):1550-7.

Breakthrough Genomics
Classification: Uncertain significance. Review status: criteria provided, single submitter. Criteria: ACMG Guidelines, 2015. Collection method: not provided. Allele origin: germline. Inheritance: Autosomal dominant inheritance. Affected: yes.

OMIM
Classification: Pathogenic for FAMILIAL COLD AUTOINFLAMMATORY SYNDROME 2. Last evaluated: 2023-04-18. Review status: no assertion criteria provided. Collection method: literature only. Allele origin: germline. Not counted in ClinVar's aggregate classification.

Clinical Genetics DNA and cytogenetics Diagnostics Lab, Erasmus MC, Erasmus Medical Center
Classification: Uncertain significance. Review status: no assertion criteria provided. Collection method: clinical testing. Allele origin: germline. Affected: yes. Study: VKGL Data-share Consensus. Not counted in ClinVar's aggregate classification.

Diagnostic Laboratory, Department of Genetics, University Medical Center Groningen
Classification: Uncertain significance. Review status: no assertion criteria provided. Collection method: clinical testing. Allele origin: germline. Affected: yes. Study: VKGL Data-share Consensus. Not counted in ClinVar's aggregate classification.

Literature cited by the submitters: PubMed 33165748 (cited by Women's Health and Genetics/Laboratory Corporation of America, LabCorp); PubMed 32725138 (cited by Women's Health and Genetics/Laboratory Corporation of America, LabCorp); PubMed 21538323 (cited by Women's Health and Genetics/Laboratory Corporation of America, LabCorp and OMIM); PubMed 29500522 (cited by Women's Health and Genetics/Laboratory Corporation of America, LabCorp); PubMed 39622767 (cited by Women's Health and Genetics/Laboratory Corporation of America, LabCorp).